The following is an entry in ClinVar:

ClinVar aggregate classification (germline): Benign. Review status: criteria provided, multiple submitters, no conflicts (2 of 4 stars). 4 submissions from 4 submitters: Benign (3). 1 of the submissions does not count toward it. Last evaluated 2026-02-04.

Conditions:
Achromatopsia. Also called: Rod monochromatism. Identifiers: Orphanet 49382, MedGen C0152200, MONDO:0018852, HP:0011516.

Submissions (4):

Labcorp Genetics (formerly Invitae), Labcorp
Classification: Benign. Last evaluated: 2026-02-04. Review status: criteria provided, single submitter. Criteria: Invitae Variant Classification Sherloc (09022015). Collection method: clinical testing. Allele origin: germline.

Blueprint Genetics
Classification: Benign. Last evaluated: 2024-11-27. Review status: criteria provided, single submitter. Criteria: ACMG Guidelines, 2015. Collection method: clinical testing. Allele origin: germline.

GeneDx
Classification: Benign. Last evaluated: 2018-06-11. Review status: criteria provided, single submitter. Criteria: GeneDx Variant Classification (06012015). Collection method: clinical testing. Allele origin: germline. Affected: yes.
Comment: This variant is considered likely benign or benign based on one or more of the following criteria: it is a conservative change, it occurs at a poorly conserved position in the protein, it is predicted to be benign by multiple in silico algorithms, and/or has population frequency not consistent with disease.

Natera, Inc.
Classification: Benign for Achromatopsia. Last evaluated: 2020-09-16. Review status: no assertion criteria provided. Collection method: clinical testing. Allele origin: germline. Not counted in ClinVar's aggregate classification.

NM_019098.5(CNGB3):c.494-11dup

Gene: CNGB3 (cyclic nucleotide gated channel subunit beta 3; minus strand). Cytogenetic location: 8q21.3.
Variant type: Duplication.
Coding change: c.494-11dup on transcript NM_019098.5 (MANE Select); 11 bases into the intron before coding-DNA position 494, one base duplicated (T; older notation c.494-11dupT).
Molecular consequence: intron variant.
Genome position (GRCh38, 1-based): chr8:86,668,179, A duplicated on the plus strand (T on the coding strand, the reverse complement: CNGB3 is on the minus strand); the first of 11 consecutive A bases (chr8:86,668,179-86,668,189); duplicating any one gives the same sequence. VCF-style (leftmost placement, unchanged base first): chr8-86668178-G-GA. GRCh37 (hg19) VCF-style: chr8-87680406-G-GA.
Other names: c.494-11dupT (NM_019098.4).
Identifiers: ClinVar variation 363882 (VCV000363882.15), dbSNP rs36008065, ClinGen allele CA4800368.
Genomic context (GRCh38, chr8:86,668,178, plus strand): 5'-CTGTTGGCTTATCATCGCTTTCTTTTACTGGTGGTACAGCCGTGGGCTTTGCTTCATAGG[G>GA]AAAAAAAAAAAGATGAAACATTTGAAGAGGTTAAGTTAGTTTAGTTAAAAACTTGAATTT-3'